The following is an entry in ClinVar:

NM_006904.7(PRKDC):c.1018T>A (p.Tyr340Asn)

Gene: PRKDC (protein kinase, DNA-activated, catalytic subunit; minus strand). Cytogenetic location: 8q11.21.
Variant type: single nucleotide variant.
Coding change: c.1018T>A on transcript NM_006904.7 (MANE Select); coding-DNA position 1018, T replaced by A.
Protein change: p.Tyr340Asn; replaces tyrosine 340 with asparagine.
Molecular consequence: missense variant.
Genome position (GRCh38, 1-based): chr8:47,939,646, A>T on the plus strand (T>A on the coding strand, the complement: PRKDC is on the minus strand). VCF-style: chr8-47939646-A-T. GRCh37 (hg19) VCF-style: chr8-48852206-A-T.
Other names: c.1018T>A (NM_006904.6); c.1018T>A, p.Tyr340Asn (NM_001081640.2); short protein forms Y340N.
Identifiers: ClinVar variation 1360950 (VCV001360950.7), dbSNP rs1387860580, ClinGen allele CA371166761.

ClinVar aggregate classification (germline): Uncertain significance. Review status: criteria provided, multiple submitters, no conflicts (2 of 4 stars). 2 submissions from 2 submitters: Uncertain significance (2). Last evaluated 2022-11-19.

Conditions:
Severe combined immunodeficiency due to DNA-PKcs deficiency. Also called: IMMUNODEFICIENCY 26 WITH NEUROLOGIC ABNORMALITIES; Immunodeficiency 26 with or without neurologic abnormalities. Identifiers: Orphanet 317425, MedGen C4014833, MONDO:0014423, OMIM 615966.

Allele frequency attached by ClinVar (database versions not stated): gnomAD exomes below 0.00001; gnomAD 0.00001; TOPMed 0.00001.
gnomAD v4.1: 4 of 1,607,978 alleles (0.00025%); highest among the groups gnomAD compares: Non-Finnish European, 0.00026%; no homozygotes.

Submissions (2):

Ambry Genetics
Classification: Uncertain significance. Last evaluated: 2022-11-19. Review status: criteria provided, single submitter. Criteria: Ambry Variant Classification Scheme 2023. Collection method: clinical testing. Allele origin: germline.
Comment: The p.Y340N variant (also known as c.1018T>A), located in coding exon 11 of the PRKDC gene, results from a T to A substitution at nucleotide position 1018. The tyrosine at codon 340 is replaced by asparagine, an amino acid with dissimilar properties. This amino acid position is conserved. In addition, the in silico prediction for this alteration is inconclusive. Since supporting evidence is limited at this time, the clinical significance of this alteration remains unclear.

Labcorp Genetics (formerly Invitae), Labcorp
Classification: Uncertain significance for Severe combined immunodeficiency due to DNA-PKcs deficiency. Last evaluated: 2021-08-11. Review status: criteria provided, single submitter. Criteria: Invitae Variant Classification Sherloc (09022015). Collection method: clinical testing. Allele origin: germline.
Comment: This sequence change replaces tyrosine with asparagine at codon 340 of the PRKDC protein (p.Tyr340Asn). The tyrosine residue is moderately conserved and there is a large physicochemical difference between tyrosine and asparagine. This variant is not present in population databases (ExAC no frequency). This variant has not been reported in the literature in individuals affected with PRKDC-related conditions. Algorithms developed to predict the effect of missense changes on protein structure and function are either unavailable or do not agree on the potential impact of this missense change (SIFT: "Not Available"; PolyPhen-2: "Not Available"; Align-GVGD: "Not Available"). In summary, the available evidence is currently insufficient to determine the role of this variant in disease. Therefore, it has been classified as a Variant of Uncertain Significance.